The following is an entry in ClinVar:

NM_001849.4(COL6A2):c.903C>T (p.Gly301=)

Gene: COL6A2 (collagen type VI alpha 2 chain; plus strand). Cytogenetic location: 21q22.3.
Variant type: single nucleotide variant.
Coding change: c.903C>T on transcript NM_001849.4 (MANE Select); coding-DNA position 903, C replaced by T.
Protein change: p.Gly301=; no amino-acid change (glycine 301 retained).
Molecular consequence: synonymous variant.
Genome position (GRCh38, 1-based): chr21:46,116,379, C>T. VCF-style: chr21-46116379-C-T. GRCh37 (hg19) VCF-style: chr21-47536293-C-T.
Other names: c.903C>T, p.Gly301= (NM_058174.3, NM_058175.3).
Identifiers: ClinVar variation 340365 (VCV000340365.14), dbSNP rs541325013, ClinGen allele CA10071533.

ClinVar aggregate classification (germline): Likely benign. Review status: criteria provided, multiple submitters, no conflicts (2 of 4 stars). 4 submissions from 3 submitters: Likely benign (3). 1 of the submissions does not count toward it. Last evaluated 2026-01-26.

Conditions:
Collagen 6-related myopathy. Identifiers: MedGen CN117976, MONDO:0100225.
Myosclerosis. Also called: MYOPATHY, MYOSCLEROTIC; MYOSCLEROSIS, CONGENITAL, OF LOWENTHAL; Myosclerosis, congenital. Identifiers: Orphanet 289380, MedGen C1850671, MONDO:0009714, OMIM 255600.
Bethlem myopathy 1A. Also called: MYOPATHY, BENIGN CONGENITAL, WITH CONTRACTURES; Bethlem myopathy 1; Bethlem Muscular Dystrophy. Identifiers: Orphanet 610, MedGen CN029274, MONDO:0024530, OMIM 158810.
COL6A2-related disorder.

Allele frequency attached by ClinVar (database versions not stated): gnomAD 0.00003; gnomAD exomes 0.00004 and 0.00015; TOPMed 0.00006; ExAC 0.00014.
gnomAD v4.1: 68 of 1,613,092 alleles (0.0042%); highest among the groups gnomAD compares: East Asian, 0.056%; no homozygotes.

Submissions (4):

Labcorp Genetics (formerly Invitae), Labcorp
Classification: Likely benign for Bethlem myopathy 1A. Last evaluated: 2026-01-26. Review status: criteria provided, single submitter. Criteria: Invitae Variant Classification Sherloc (09022015). Collection method: clinical testing. Allele origin: germline.

Illumina Laboratory Services, Illumina
Classification: Likely benign for Myosclerosis. Last evaluated: 2017-04-27. Review status: criteria provided, single submitter. Criteria: ICSL Variant Classification Criteria 13 December 2019. Collection method: clinical testing. Allele origin: germline.
Comment: This variant was observed as part of a predisposition screen in an ostensibly healthy population. A literature search was performed for the gene, cDNA change, and amino acid change (where applicable). No publications were found based on this search. Allele frequency data from public databases allowed determination this variant is unlikely to cause disease. Therefore, this variant is classified as likely benign.

Illumina Laboratory Services, Illumina
Classification: Likely benign for Collagen VI-related myopathy. Last evaluated: 2017-04-27. Review status: criteria provided, single submitter. Criteria: ICSL Variant Classification Criteria 13 December 2019. Collection method: clinical testing. Allele origin: germline.
Comment: the same text as in the submission from Illumina Laboratory Services, Illumina above.

PreventionGenetics, part of Exact Sciences
Classification: Likely benign for COL6A2-related condition. Last evaluated: 2019-11-18. Review status: no assertion criteria provided. Collection method: clinical testing. Allele origin: germline. Not counted in ClinVar's aggregate classification.
Comment: This variant is classified as likely benign based on ACMG/AMP sequence variant interpretation guidelines (Richards et al. 2015 PMID: 25741868, with internal and published modifications).